The following is an entry in ClinVar:

ClinVar aggregate classification (germline): Conflicting classifications of pathogenicity. Review status: criteria provided, conflicting classifications (1 of 4 stars). 2 submissions from 2 submitters: Pathogenic (1); Uncertain significance (1). Last evaluated 2023-11-27.

Submissions (2):

Labcorp Genetics (formerly Invitae), Labcorp
Classification: Pathogenic. Last evaluated: 2023-11-27. Review status: criteria provided, single submitter. Criteria: Invitae Variant Classification Sherloc (09022015). Collection method: clinical testing. Allele origin: germline.
Comment: This sequence change replaces valine, which is neutral and non-polar, with phenylalanine, which is neutral and non-polar, at codon 442 of the PHEX protein (p.Val442Phe). This variant is not present in population databases (gnomAD no frequency). This missense change has been observed in individual(s) with clinical features of X-linked hypophosphatemia (PMID: 14564077; Invitae). In at least one individual the variant was observed to be de novo. ClinVar contains an entry for this variant (Variation ID: 1525455). Advanced modeling of protein sequence and biophysical properties (such as structural, functional, and spatial information, amino acid conservation, physicochemical variation, residue mobility, and thermodynamic stability) has been performed at Invitae for this missense variant, however the output from this modeling did not meet the statistical confidence thresholds required to predict the impact of this variant on PHEX protein function. For these reasons, this variant has been classified as Pathogenic.

GeneDx
Classification: Uncertain significance. Last evaluated: 2022-11-17. Review status: criteria provided, single submitter. Criteria: GeneDx Variant Classification Process June 2021. Collection method: clinical testing. Allele origin: germline. Affected: yes.
Comment: Not observed at significant frequency in large population cohorts (gnomAD); In silico analysis supports that this missense variant has a deleterious effect on protein structure/function; This variant is associated with the following publications: (PMID: 14564077, 33639975)

Literature cited by the submitters: PubMed 14564077 (cited by Labcorp Genetics (formerly Invitae), Labcorp).

NM_000444.6(PHEX):c.1324G>T (p.Val442Phe)

Gene: PHEX (phosphate regulating endopeptidase X-linked; plus strand). Cytogenetic location: Xp22.11.
Variant type: single nucleotide variant.
Coding change: c.1324G>T on transcript NM_000444.6 (MANE Select); coding-DNA position 1324, G replaced by T.
Protein change: p.Val442Phe; replaces valine 442 with phenylalanine.
Molecular consequence: missense variant.
Genome position (GRCh38, 1-based): chrX:22,133,544, G>T. VCF-style: chrX-22133544-G-T. GRCh37 (hg19) VCF-style: chrX-22151661-G-T.
Other names: c.1324G>T, p.Val442Phe (NM_001282754.2); c.1324G>T (NM_000444.4); short protein forms V442F.
Identifiers: ClinVar variation 1525455 (VCV001525455.6), dbSNP rs777167473, ClinGen allele CA412574576.